The following is an entry in ClinVar:

NM_153682.3(PIGP):c.341T>C (p.Ile114Thr)

Gene: PIGP (phosphatidylinositol glycan anchor biosynthesis class P; minus strand). Cytogenetic location: 21q22.13.
Variant type: single nucleotide variant.
Coding change: c.341T>C on transcript NM_153682.3 (MANE Select); coding-DNA position 341, T replaced by C.
Protein change: p.Ile114Thr; replaces isoleucine 114 with threonine.
Molecular consequence: missense variant.
Genome position (GRCh38, 1-based): chr21:37,065,646, A>G on the plus strand (T>C on the coding strand, the complement: PIGP is on the minus strand). VCF-style: chr21-37065646-A-G. GRCh37 (hg19) VCF-style: chr21-38437946-A-G.
Other names: c.341T>C, p.Ile114Thr (NM_001320480.2); c.263T>C, p.Ile88Thr (NM_016430.4); c.413T>C, p.Ile138Thr (NM_153681.2); short protein forms I88T, I114T, I138T.
Identifiers: ClinVar variation 1471039 (VCV001471039.4), dbSNP rs765700785, ClinGen allele CA10021028.

ClinVar aggregate classification (germline): Uncertain significance (1 of 4 stars; one submission).

Allele frequency attached by ClinVar (database versions not stated): gnomAD exomes below 0.00001 and 0.00001; ExAC 0.00001; gnomAD 0.00001; TOPMed 0.00001.
gnomAD v4.1: 9 of 1,613,384 alleles (0.00056%); highest among the groups gnomAD compares: African/African-American, 0.0013%; no homozygotes.

Submission:

Labcorp Genetics (formerly Invitae), Labcorp
Classification: Uncertain significance. Last evaluated: 2023-12-11. Review status: criteria provided, single submitter. Criteria: Invitae Variant Classification Sherloc (09022015). Collection method: clinical testing. Allele origin: germline.
Comment: This sequence change replaces isoleucine, which is neutral and non-polar, with threonine, which is neutral and polar, at codon 138 of the PIGP protein (p.Ile138Thr). This variant is not present in population databases (gnomAD no frequency). This variant has not been reported in the literature in individuals affected with PIGP-related conditions. ClinVar contains an entry for this variant (Variation ID: 1471039). An algorithm developed to predict the effect of missense changes on protein structure and function (PolyPhen-2) suggests that this variant¬†is likely to be tolerated. In summary, the available evidence is currently insufficient to determine the role of this variant in disease. Therefore, it has been classified as a Variant of Uncertain Significance.